The following is an entry in ClinVar:

ClinVar aggregate classification (germline): Uncertain significance. Review status: criteria provided, multiple submitters, no conflicts (2 of 4 stars). 2 submissions from 2 submitters: Uncertain significance (2). Last evaluated 2022-08-23.

Conditions:
Microcephaly-intellectual disability-sensorineural hearing loss-epilepsy-abnormal muscle tone syndrome (NEDHSB). Also called: NEURODEVELOPMENTAL DISORDER WITH HEARING LOSS, SEIZURES, AND BRAIN ABNORMALITIES. Identifiers: Orphanet 457351, MedGen C4225276, MONDO:0014698, OMIM 616577.

gnomAD v4.1: 1 of 1,610,210 alleles (0.000062%); no homozygotes.

Submissions (2):

Labcorp Genetics (formerly Invitae), Labcorp
Classification: Uncertain significance for Microcephaly-intellectual disability-sensorineural hearing loss-epilepsy-abnormal muscle tone syndrome. Last evaluated: 2022-08-23. Review status: criteria provided, single submitter. Criteria: Invitae Variant Classification Sherloc (09022015). Collection method: clinical testing. Allele origin: germline.
Comment: This sequence change replaces tyrosine, which is neutral and polar, with phenylalanine, which is neutral and non-polar, at codon 881 of the SPATA5 protein (p.Tyr881Phe). This variant is present in population databases (rs750171052, gnomAD no frequency). This variant has not been reported in the literature in individuals affected with SPATA5-related conditions. ClinVar contains an entry for this variant (Variation ID: 937065). Advanced modeling of protein sequence and biophysical properties (such as structural, functional, and spatial information, amino acid conservation, physicochemical variation, residue mobility, and thermodynamic stability) performed at Invitae indicates that this missense variant is expected to disrupt SPATA5 protein function. In summary, the available evidence is currently insufficient to determine the role of this variant in disease. Therefore, it has been classified as a Variant of Uncertain Significance.

Fulgent Genetics
Classification: Uncertain significance for Microcephaly-intellectual disability-sensorineural hearing loss-epilepsy-abnormal muscle tone syndrome. Last evaluated: 2021-07-31. Review status: criteria provided, single submitter. Criteria: ACMG Guidelines, 2015. Collection method: clinical testing. Allele origin: unknown.

NM_145207.3(AFG2A):c.2642A>T (p.Tyr881Phe)

Gene: AFG2A (AFG2 AAA ATPase homolog A; plus strand). Cytogenetic location: 4q28.1.
Variant type: single nucleotide variant.
Coding change: c.2642A>T on transcript NM_145207.3 (MANE Select); coding-DNA position 2642, A replaced by T.
Protein change: p.Tyr881Phe; replaces tyrosine 881 with phenylalanine.
Molecular consequence: missense variant.
Genome position (GRCh38, 1-based): chr4:123,314,024, A>T. VCF-style: chr4-123314024-A-T. GRCh37 (hg19) VCF-style: chr4-124235179-A-T.
Other names: c.2639A>T, p.Tyr880Phe (NM_001345856.2); short protein forms Y880F, Y881F.
Identifiers: ClinVar variation 937065 (VCV000937065.5), dbSNP rs750171052, ClinGen allele CA3070776.